The following is an entry in ClinVar:

ClinVar aggregate classification (germline): Uncertain significance (1 of 4 stars; one submission).

Conditions:
Mitochondrial complex II deficiency, nuclear type 1. Also called: SUCCINATE CoQ REDUCTASE DEFICIENCY. Identifiers: Orphanet 3208, MedGen C5700310, MONDO:0100294, OMIM 252011.
Pheochromocytoma/paraganglioma syndrome 5. Also called: Paragangliomas 5; SDHA-Related Hereditary Paraganglioma-Pheochromocytoma Syndrome. Identifiers: Orphanet 29072, MedGen C3279992, MONDO:0013602, OMIM 614165.

Submission:

Labcorp Genetics (formerly Invitae), Labcorp
Classification: Uncertain significance for Pheochromocytoma/paraganglioma syndrome 5; Mitochondrial complex II deficiency, nuclear type 1. Last evaluated: 2024-06-14. Review status: criteria provided, single submitter. Criteria: Invitae Variant Classification Sherloc (09022015). Collection method: clinical testing. Allele origin: germline.
Comment: This sequence change replaces alanine, which is neutral and non-polar, with valine, which is neutral and non-polar, at codon 387 of the SDHA protein (p.Ala387Val). This variant is not present in population databases (gnomAD no frequency). This variant has not been reported in the literature in individuals affected with SDHA-related conditions. Advanced modeling of protein sequence and biophysical properties (such as structural, functional, and spatial information, amino acid conservation, physicochemical variation, residue mobility, and thermodynamic stability) performed at Invitae indicates that this missense variant is not expected to disrupt SDHA protein function with a negative predictive value of 95%. In summary, the available evidence is currently insufficient to determine the role of this variant in disease. Therefore, it has been classified as a Variant of Uncertain Significance.

NM_004168.4(SDHA):c.1160C>T (p.Ala387Val)

Gene: SDHA (succinate dehydrogenase complex flavoprotein subunit A; plus strand). Cytogenetic location: 5p15.33.
Variant type: single nucleotide variant.
Coding change: c.1160C>T on transcript NM_004168.4 (MANE Select); coding-DNA position 1160, C replaced by T.
Protein change: p.Ala387Val; replaces alanine 387 with valine.
Molecular consequence: missense variant.
Genome position (GRCh38, 1-based): chr5:235,239, C>T. VCF-style: chr5-235239-C-T. GRCh37 (hg19) VCF-style: chr5-235354-C-T.
Other names: c.1016C>T, p.Ala339Val (NM_001294332.2); c.1160C>T, p.Ala387Val (NM_001330758.2); short protein forms A339V, A387V.
Identifiers: ClinVar variation 2932975 (VCV002932975.3), dbSNP rs2126584904, ClinGen allele CA359013573.